The following is an entry in ClinVar:

NM_002972.4(SBF1):c.4025C>T (p.Pro1342Leu)

Gene: SBF1 (SET binding factor 1; minus strand). Cytogenetic location: 22q13.33.
Variant type: single nucleotide variant.
Coding change: c.4025C>T on transcript NM_002972.4 (MANE Select); coding-DNA position 4025, C replaced by T.
Protein change: p.Pro1342Leu; replaces proline 1342 with leucine.
Molecular consequence: missense variant.
Genome position (GRCh38, 1-based): chr22:50,456,553, G>A on the plus strand (C>T on the coding strand, the complement: SBF1 is on the minus strand). VCF-style: chr22-50456553-G-A. GRCh37 (hg19) VCF-style: chr22-50894982-G-A.
Other names: c.3950C>T, p.Pro1317Leu (NM_001365819.1); c.4028C>T, p.Pro1343Leu (NM_001410794.1); c.3947C>T, p.Pro1316Leu (NM_001410795.1); c.4025C>T, p.Pro1342Leu (NM_197971.1); c.4025C>T (NM_002972.2); short protein forms P1342L, P1343L, P1317L, P1316L.
Identifiers: ClinVar variation 1982131 (VCV001982131.4), dbSNP rs769305063, ClinGen allele CA10316431.
Genomic context (GRCh38, chr22:50,456,553, plus strand): 5'-TTGAGCTGGGCTTTGTCCCCAAGGATATAGAGGGCTGCTCGCTGCGGACGCAGGAAGCCC[G>A]GGTCGGGAGGGCCCCCGTTGGCCTGGGGTGGGGCCAGCGCGTCTCTGCCAGCTAGCCGGG-3'
Protein context (NP_002963.2, residues 1332-1352): PPQANGGPPD[Pro1342Leu]GFLRPQRAAL

ClinVar aggregate classification (germline): Uncertain significance. Review status: criteria provided, multiple submitters, no conflicts (2 of 4 stars). 3 submissions from 3 submitters: Uncertain significance (3). Last evaluated 2025-12-04.

Allele frequency attached by ClinVar (database versions not stated): TOPMed 0.00005; gnomAD 0.00008; ExAC 0.00011.
gnomAD v4.1: 120 of 1,525,306 alleles (0.0079%); highest among the groups gnomAD compares: Non-Finnish European, 0.01%; no homozygotes.

Submissions (3):

Ambry Genetics
Classification: Uncertain significance. Last evaluated: 2025-12-04. Review status: criteria provided, single submitter. Criteria: Ambry Variant Classification Scheme 2023. Collection method: clinical testing. Allele origin: germline.

Labcorp Genetics (formerly Invitae), Labcorp
Classification: Uncertain significance. Last evaluated: 2025-01-26. Review status: criteria provided, single submitter. Criteria: Invitae Variant Classification Sherloc (09022015). Collection method: clinical testing. Allele origin: germline.
Comment: This sequence change replaces proline, which is neutral and non-polar, with leucine, which is neutral and non-polar, at codon 1342 of the SBF1 protein (p.Pro1342Leu). This variant is present in population databases (rs769305063, gnomAD 0.01%). This variant has not been reported in the literature in individuals affected with SBF1-related conditions. ClinVar contains an entry for this variant (Variation ID: 1982131). Invitae Evidence Modeling of protein sequence and biophysical properties (such as structural, functional, and spatial information, amino acid conservation, physicochemical variation, residue mobility, and thermodynamic stability) indicates that this missense variant is not expected to disrupt SBF1 protein function with a negative predictive value of 80%. In summary, the available evidence is currently insufficient to determine the role of this variant in disease. Therefore, it has been classified as a Variant of Uncertain Significance.

Women's Health and Genetics/Laboratory Corporation of America, LabCorp
Classification: Uncertain significance. Last evaluated: 2024-01-03. Review status: criteria provided, single submitter. Criteria: LabCorp Variant Classification Summary - May 2015. Collection method: clinical testing. Allele origin: germline.
Comment: Variant summary: SBF1 c.4025C>T (p.Pro1342Leu) results in a non-conservative amino acid change located in the Myotubularin-like, phosphatase domain (IPR010569) of the encoded protein sequence. Four of five in-silico tools predict a benign effect of the variant on protein function. The variant allele was found at a frequency of 6.5e-05 in 200090 control chromosomes. To our knowledge, no occurrence of c.4025C>T in individuals affected with Charcot Marie Tooth Disease Type 4B3 and no experimental evidence demonstrating its impact on protein function have been reported. One submitter has cited clinical-significance assessments for this variant to ClinVar after 2014 and has classified the variant as uncertain significance. Based on the evidence outlined above, the variant was classified as uncertain significance.